The following is an entry in ClinVar:

ClinVar aggregate classification (germline): Pathogenic. Review status: criteria provided, multiple submitters, no conflicts (2 of 4 stars). 2 submissions from 2 submitters: Pathogenic (2). Last evaluated 2024-05-08.

Conditions:
Fanconi anemia complementation group A (FANCA). Also called: Fanconi anemia, group A; FANCA-Related Fanconi Anemia. Identifiers: Orphanet 84, MedGen C3469521, MONDO:0009215, OMIM 227650.
Fanconi anemia (FA). Also called: Fanconi's anemia. Identifiers: Orphanet 84, MedGen C0015625, MeSH D005199, MONDO:0019391.

Submissions (2):

Myriad Genetics, Inc.
Classification: Pathogenic for Fanconi anemia complementation group A. Last evaluated: 2024-05-08. Review status: criteria provided, single submitter. Criteria: Myriad Autosomal Dominant, Autosomal Recessive and X-Linked Classification Criteria (2023). Collection method: clinical testing. Allele origin: unknown.
Comment: NM_000135.2(FANCA):c.3809C>A(S1270*) is expected to be pathogenic in the context of Fanconi anemia complementation group A. This variant is predicted to lead to an abnormal or absent protein product due to the creation of a premature termination codon in FANCA, a gene where loss-of-function variants are known to be pathogenic. Please note: this variant was assessed in the context of healthy population screening.

Labcorp Genetics (formerly Invitae), Labcorp
Classification: Pathogenic for Fanconi anemia. Last evaluated: 2021-08-02. Review status: criteria provided, single submitter. Criteria: Invitae Variant Classification Sherloc (09022015). Collection method: clinical testing. Allele origin: germline.
Comment: This sequence change creates a premature translational stop signal (p.Ser1270*) in the FANCA gene. It is expected to result in an absent or disrupted protein product. Loss-of-function variants in FANCA are known to be pathogenic (PMID: 19367192). This variant is present in population databases (rs752800577, ExAC 0.002%). For these reasons, this variant has been classified as Pathogenic. Algorithms developed to predict the effect of sequence changes on RNA splicing suggest that this variant may create or strengthen a splice site, but this prediction has not been confirmed by published transcriptional studies. This variant has not been reported in the literature in individuals with FANCA-related conditions.

Literature cited by the submitters: PubMed 19367192 (cited by Labcorp Genetics (formerly Invitae), Labcorp).

NM_000135.4(FANCA):c.3809C>A (p.Ser1270Ter)

Genes: FANCA (FA complementation group A; minus strand), ZNF276 (zinc finger protein 276; plus strand). Cytogenetic location: 16q24.3.
Variant type: single nucleotide variant.
Coding change: c.3809C>A on transcript NM_000135.4 (MANE Select); coding-DNA position 3809, C replaced by A.
Protein change: p.Ser1270Ter; replaces serine 1270 with a stop codon.
Molecular consequence: nonsense. On other transcripts: 3 prime UTR variant (2), non-coding transcript variant (4).
Genome position (GRCh38, 1-based): chr16:89,740,823, G>T on the plus strand (C>A on the coding strand, the complement: FANCA is on the minus strand). VCF-style: chr16-89740823-G-T. GRCh37 (hg19) VCF-style: chr16-89807231-G-T.
Other names: c.3809C>A, p.Ser1270Ter (NM_001286167.3); c.*2577G>T (NM_001113525.2, NM_152287.4); short protein forms S1270*.
Identifiers: ClinVar variation 1455591 (VCV001455591.7), dbSNP rs752800577, ClinGen allele CA8250957.